The following is an entry in ClinVar:

ClinVar aggregate classification (germline): Pathogenic. Review status: criteria provided, multiple submitters, no conflicts (2 of 4 stars). 14 submissions from 14 submitters: Pathogenic (13). 1 of the submissions does not count toward it. Last evaluated 2026-08-11.

Conditions:
Inherited Immunodeficiency Diseases. Identifiers: MedGen C5197805, MeSH D000081207.
STAT1-related disorder. Also called: STAT1-related condition.
Mendelian susceptibility to mycobacterial diseases due to partial STAT1 deficiency. Also called: IMMUNODEFICIENCY 31A, MYCOBACTERIOSIS, AUTOSOMAL DOMINANT; STAT1 DEFICIENCY, AUTOSOMAL DOMINANT; Immunodeficiency 31a. Identifiers: Orphanet 319595, MedGen C4013950, MONDO:0013956, OMIM 614892.
Autoimmune enteropathy and endocrinopathy - susceptibility to chronic infections syndrome. Also called: Immunodeficiency 31C; Immunodeficiency 31C, autosomal dominant. Identifiers: Orphanet 391487, MedGen C3279990, MONDO:0013599, OMIM 614162.
Immunodeficiency 31B. Also called: IMMUNODEFICIENCY 31B, MYCOBACTERIAL AND VIRAL INFECTIONS, AUTOSOMAL RECESSIVE; STAT1 DEFICIENCY, AUTOSOMAL RECESSIVE. Identifiers: Orphanet 391311, MedGen C3151088, MONDO:0013427, OMIM 613796.

Submissions (14):

Laboratory of Clinical Immunology, Infection and Allergy, Faculty of Medicine and Pharmacy of Casablanca, University of Hassan II Casablanca
Classification: Pathogenic for Autoimmune enteropathy and endocrinopathy - susceptibility to chronic infections syndrome. Last evaluated: 2026-08-11. Review status: criteria provided, single submitter. Criteria: ACMG Guidelines, 2015. Collection method: clinical testing. Allele origin: germline. Affected: yes. Observed: 1 variant allele.
Comment: This missense change replaces threonine with methionine at position 385 of the STAT1 protein, within the DNA-binding domain, where a large proportion of reported gain-of-function variants cluster (PM1). The variant is absent from population databases, including gnomAD (PM2). Published functional studies of this substitution demonstrate increased and prolonged STAT1 phosphorylation after interferon stimulation with impaired nuclear dephosphorylation, consistent with a gain-of-function effect (PS3). Multiple computational tools predict a damaging effect (CADD 26.5) (PP3). The clinical presentation in the individual reported here, chronic mucocutaneous candidiasis with recurrent pneumonia and bacterial otitis, is highly specific for STAT1 gain-of-function disease (PP4). In summary, on the basis of PS3, PS4, PM1, PM2, PP3 and PP4, this variant is classified as Pathogenic.

3billion
Classification: Pathogenic for Mendelian susceptibility to mycobacterial diseases due to partial STAT1 deficiency. Last evaluated: 2025-05-22. Review status: criteria provided, single submitter. Criteria: ACMG Guidelines, 2015. Collection method: clinical testing. Allele origin: germline. Affected: yes.
Comment: The variant is not observed in the gnomAD v4.1.0 dataset. Predicted Consequence/Location: Missense variant. Missense changes are a common disease-causing mechanism. Functional studies provide strong evidence of the variant having a damaging effect on the gene or gene product (PMID: 22730530, 23534974). In silico tool predictions suggest damaging effect of the variant on gene or gene product [REVEL: 0.80 (>=0.6, sensitivity 0.68 and specificity 0.92); 3Cnet: 1.00 (> 0.75, sensitivity 0.96 and precision 0.92)]. The same nucleotide change resulting in the same amino acid change has been previously reported as pathogenic/likely pathogenic with strong evidence (ClinVar ID: VCV000144006 /PMID: 22730530). A different missense change at the same codon (p.Thr385Lys) has been reported to be associated with STAT1-related disorder (PMID: 34390440). Therefore, this variant is classified as Pathogenic according to the recommendation of ACMG/AMP guideline.

PreventionGenetics, part of Exact Sciences
Classification: Pathogenic for STAT1-related condition. Last evaluated: 2025-02-28. Review status: criteria provided, single submitter. Criteria: ACMG Guidelines, 2015. Collection method: clinical testing. Allele origin: germline.
Comment: The STAT1 c.1154C>T variant is predicted to result in the amino acid substitution p.Thr385Met. This variant has been well-documented to be pathogenic for mucocutaneous candidiasis and immunodeficiency (Takezaki et al. 2012. PubMed ID: 22730530; Depner et al. 2015. PubMed ID: 26604104; Ji et al. 2019. PubMed ID: 30755392). This variant is interpreted as pathogenic by the vast majority of submitters in ClinVar. This variant has not been reported in a large population database, indicating this variant is rare. This variant is interpreted as pathogenic.

Laboratory of Genetics, Children's Clinical University Hospital Latvia
Classification: Pathogenic. Last evaluated: 2025-02-16. Review status: criteria provided, single submitter. Criteria: ACMG Guidelines, 2015. Collection method: clinical testing. Allele origin: germline. Affected: yes.

Labcorp Genetics (formerly Invitae), Labcorp
Classification: Pathogenic for Mendelian susceptibility to mycobacterial diseases due to partial STAT1 deficiency; Immunodeficiency 31B; Autoimmune enteropathy and endocrinopathy - susceptibility to chronic infections syndrome. Last evaluated: 2024-04-08. Review status: criteria provided, single submitter. Criteria: Invitae Variant Classification Sherloc (09022015). Collection method: clinical testing. Allele origin: germline.
Comment: This sequence change replaces threonine, which is neutral and polar, with methionine, which is neutral and non-polar, at codon 385 of the STAT1 protein (p.Thr385Met). This variant is not present in population databases (gnomAD no frequency). This missense change has been observed in individual(s) with autosomal dominant chronic mucocutaneous candidiasis (PMID: 22730530, 23541320, 23709754, 24239102, 25042743, 26604104, 26743090, 27379765, 28597685). In at least one individual the variant was observed to be de novo. ClinVar contains an entry for this variant (Variation ID: 144006). An algorithm developed to predict the effect of missense changes on protein structure and function (PolyPhen-2) suggests that this variant is likely to be disruptive. Experimental studies have shown that this missense change affects STAT1 function (PMID: 22730530, 23534974, 23541320, 23709754, 26604104). For these reasons, this variant has been classified as Pathogenic.

GeneDx
Classification: Pathogenic. Last evaluated: 2024-03-26. Review status: criteria provided, single submitter. Criteria: GeneDx Variant Classification Process June 2021. Collection method: clinical testing. Allele origin: germline. Affected: yes.
Comment: Reported in published literature in individuals with IPEX-like disease (PMID: 28601685); Published functional studies demonstrate a increased activity, consistent with a gain of function: enhanced STAT1 phosphorylation, delayed dephosphorylation, enhanced DNA binding and transactivation, and enhanced interaction with protein inhibitor of activated STAT1 (PMID: 23541320, 28601685); Not observed in large population cohorts (gnomAD); In silico analysis supports that this missense variant has a deleterious effect on protein structure/function; This variant is associated with the following publications: (PMID: 26604104, 23709754, 32180118, 32706110, 32477911, 24239102, 23534974, 26743090, 25288569, 22730530, 27379765, 27577878, 28597685, 29270166, 29111217, 29259832, 30443250, 30543054, 28601685, 25042743, 23541320, 31805313, 31767209, 31686315, 31019026, 30092289, 32499645, 32581362, 34060650, 33225392, 33027576, 30755392, 32327459, 32888943, 33475942, 33344614, 35874679, 34738677, 37678716, 34333925, 33005702, 34390440, 34645491, 35482138, 35435464, 36881481, 36790564)

Mayo Clinic Laboratories, Mayo Clinic
Classification: Pathogenic. Last evaluated: 2022-06-08. Review status: criteria provided, single submitter. Criteria: ACMG Guidelines, 2015. Collection method: clinical testing. Allele origin: germline. Observed: 1 variant allele.
Comment: PP2, PP3, PM2, PS2, PS3, PS4

Institute of Medical Genetics and Applied Genomics, University Hospital Tübingen
Classification: Pathogenic. Last evaluated: 2020-10-23. Review status: criteria provided, single submitter. Criteria: ACMG Guidelines, 2015. Collection method: clinical testing. Allele origin: germline. Inheritance: Autosomal unknown. Affected: yes.

CeGaT Center for Human Genetics Tuebingen
Classification: Pathogenic. Last evaluated: 2020-03-01. Review status: criteria provided, single submitter. Criteria: CeGaT Center For Human Genetics Tuebingen Variant Classification Criteria Version 2. Collection method: clinical testing. Allele origin: germline. Affected: yes. Observed: 3 variant alleles.

NIHR Bioresource Rare Diseases, University of Cambridge
Classification: Pathogenic for Inherited Immunodeficiency Diseases. Last evaluated: 2019-01-01. Review status: criteria provided, single submitter. Criteria: ACMG Guidelines, 2015. Collection method: research. Allele origin: de novo. Affected: yes. Observed: 2 heterozygotes. Clinical features observed: Abnormality of head or neck (HP:0000152), B lymphocytopenia (HP:0002956), Oral ulcer (HP:0000155), Recurrent fungal infections (HP:0002841), Abnormality of the respiratory system (HP:0002086), Bronchiectasis (HP:0002110), Hemolytic anemia (HP:0005503), IgA deficiency (HP:0002720), IgG deficiency (HP:0004315), IgM deficiency (HP:0002850), Recurrent aphthous stomatitis (HP:0011107), Recurrent lower respiratory tract infections (HP:0005955).

Center for Personalized Medicine, Children's Hospital Los Angeles
Classification: Pathogenic. Last evaluated: 2018-11-19. Review status: criteria provided, single submitter. Criteria: ACMG Guidelines, 2015. Collection method: clinical testing. Allele origin: germline. Affected: yes.

Blueprint Genetics
Classification: Pathogenic for STAT1-related disorders. Last evaluated: 2018-07-29. Review status: criteria provided, single submitter. Criteria: ACMG Guidelines, 2015. Collection method: clinical testing. Allele origin: germline. Affected: yes. Observed: 1 variant allele.

Baylor Genetics
Classification: Pathogenic for Autoimmune enteropathy and endocrinopathy - susceptibility to chronic infections syndrome. Last evaluated: 2018-03-08. Review status: criteria provided, single submitter. Criteria: ACMG Guidelines, 2015. Collection method: clinical testing. Allele origin: de novo. Affected: yes.
Comment: This variant was determined to be pathogenic according to ACMG Guidelines, 2015 [PMID:25741868]. This variant has been previously reported as disease-causing in multiple patients with autosomal dominant immunodeficiency [PMID 22730530, 27379765, 26604104, 28597685, 23541320, 24239102, 27577878, 23534974, 26743090]

OMIM
Classification: Pathogenic for IMMUNODEFICIENCY 31C. Last evaluated: 2013-09-01. Review status: no assertion criteria provided. Collection method: literature only. Allele origin: germline. Not counted in ClinVar's aggregate classification.

Literature cited by the submitters: PubMed 38073579 (cited by Laboratory of Clinical Immunology, Infection and Allergy, Faculty of Medicine and Pharmacy of Casablanca, University of Hassan II Casablanca); PubMed 39175777 (cited by Laboratory of Clinical Immunology, Infection and Allergy, Faculty of Medicine and Pharmacy of Casablanca, University of Hassan II Casablanca); PubMed 26574604 (cited by Laboratory of Clinical Immunology, Infection and Allergy, Faculty of Medicine and Pharmacy of Casablanca, University of Hassan II Casablanca); PubMed 26711013 (cited by Laboratory of Clinical Immunology, Infection and Allergy, Faculty of Medicine and Pharmacy of Casablanca, University of Hassan II Casablanca); PubMed 23534974 (cited by 4 submitters); PubMed 22730530 (cited by 4 submitters); PubMed 34390440 (cited by 3billion); PubMed 23541320 (cited by 4 submitters); PubMed 23709754 (cited by 3 submitters); PubMed 24239102 (cited by 3 submitters); PubMed 25042743 (cited by Labcorp Genetics (formerly Invitae), Labcorp and Mayo Clinic Laboratories, Mayo Clinic); PubMed 26604104 (cited by 3 submitters); PubMed 26743090 (cited by 3 submitters); PubMed 27379765 (cited by 3 submitters); PubMed 28597685 (cited by 3 submitters); PubMed 27577878 (cited by Mayo Clinic Laboratories, Mayo Clinic and Baylor Genetics).

NM_007315.4(STAT1):c.1154C>T (p.Thr385Met)

Gene: STAT1 (signal transducer and activator of transcription 1; minus strand). Cytogenetic location: 2q32.2.
Variant type: single nucleotide variant.
Coding change: c.1154C>T on transcript NM_007315.4 (MANE Select); coding-DNA position 1154, C replaced by T.
Protein change: p.Thr385Met; replaces threonine 385 with methionine.
Molecular consequence: missense variant.
Genome position (GRCh38, 1-based): chr2:190,986,921, G>A on the plus strand (C>T on the coding strand, the complement: STAT1 is on the minus strand). VCF-style: chr2-190986921-G-A. GRCh37 (hg19) VCF-style: chr2-191851647-G-A.
Other names: c.1094C>T, p.Thr365Met (NM_001384880.1); c.1160C>T, p.Thr387Met (NM_001384881.1, NM_001384884.1); c.1148C>T, p.Thr383Met (NM_001384882.1); c.1055C>T, p.Thr352Met (NM_001384883.1); c.995C>T, p.Thr332Met (NM_001384885.1); c.1154C>T, p.Thr385Met (NM_001384886.1, NM_001384889.1, NM_139266.3); c.1061C>T, p.Thr354Met (NM_001384887.1); c.1124C>T, p.Thr375Met (NM_001384888.1); and 2 more; short protein forms T385M, T332M, T352M, T354M, T355M, T365M, T375M, T383M.
Identifiers: ClinVar variation 144006 (VCV000144006.64), dbSNP rs587777630, ClinGen allele CA170572.